The following is an entry in ClinVar:

ClinVar aggregate classification (germline): Pathogenic (1 of 4 stars; one submission).

Conditions:
BAP1-related tumor predisposition syndrome (TPDS1). Also called: BAP1 tumor predisposition syndrome; Tumor susceptibility linked to germline BAP1 mutations; COMMON Syndrome; TUMOR PREDISPOSITION SYNDROME 1. Identifiers: Orphanet 289539, MedGen C3280492, MONDO:0013692, OMIM 614327.

Submission:

Labcorp Genetics (formerly Invitae), Labcorp
Classification: Pathogenic for BAP1-related tumor predisposition syndrome. Last evaluated: 2022-12-11. Review status: criteria provided, single submitter. Criteria: Invitae Variant Classification Sherloc (09022015). Collection method: clinical testing. Allele origin: germline.
Comment: For these reasons, this variant has been classified as Pathogenic. This variant has not been reported in the literature in individuals affected with BAP1-related conditions. This variant is not present in population databases (gnomAD no frequency). This sequence change creates a premature translational stop signal (p.Ala428Glyfs*7) in the BAP1 gene. It is expected to result in an absent or disrupted protein product. Loss-of-function variants in BAP1 are known to be pathogenic (PMID: 21874000, 23684012).

Literature cited by the submitters: PubMed 21874000; PubMed 23684012.

NM_004656.4(BAP1):c.1282dup (p.Ala428fs)

Gene: BAP1 (BRCA1 associated deubiquitinase 1; minus strand). Cytogenetic location: 3p21.1.
Variant type: Duplication.
Coding change: c.1282dup on transcript NM_004656.4 (MANE Select); coding-DNA position 1282, one base duplicated (G; older notation c.1282dupG).
Protein change: p.Ala428fs; shifts the reading frame from alanine 428.
Molecular consequence: frameshift variant.
Genome position (GRCh38, 1-based): chr3:52,403,863, C duplicated on the plus strand (G on the coding strand, the reverse complement: BAP1 is on the minus strand); the first of 4 consecutive C bases (chr3:52,403,863-52,403,866); duplicating any one gives the same sequence. VCF-style (leftmost placement, unchanged base first): chr3-52403862-G-GC. GRCh37 (hg19) VCF-style: chr3-52437878-G-GC.
Other names: c.1228dup, p.Ala410fs (NM_001410772.1); short protein forms A410fs, A428fs.
Identifiers: ClinVar variation 2811159 (VCV002811159.3), dbSNP rs2471330374, ClinGen allele CA2739278584.